The following is an entry in ClinVar:

NM_006158.5(NEFL):c.621C>A (p.Ala207=)

Gene: NEFL (neurofilament light chain; minus strand). Cytogenetic location: 8p21.2.
Variant type: single nucleotide variant.
Coding change: c.621C>A on transcript NM_006158.5 (MANE Select); coding-DNA position 621, C replaced by A.
Protein change: p.Ala207=; no amino-acid change (alanine 207 retained).
Molecular consequence: synonymous variant.
Genome position (GRCh38, 1-based): chr8:24,955,895, G>T on the plus strand (C>A on the coding strand, the complement: NEFL is on the minus strand). VCF-style: chr8-24955895-G-T. GRCh37 (hg19) VCF-style: chr8-24813409-G-T.
Identifiers: ClinVar variation 2658486 (VCV002658486.24), dbSNP rs763294014, ClinGen allele CA460183323.

ClinVar aggregate classification (germline): Likely benign (1 of 4 stars; one submission).

gnomAD v4.1: 1 of 1,606,090 alleles (0.000062%); highest among the groups gnomAD compares: Non-Finnish European, 0.000085%; no homozygotes.

Submission:

CeGaT Center for Human Genetics Tuebingen
Classification: Likely benign. Last evaluated: 2022-07-01. Review status: criteria provided, single submitter. Criteria: CeGaT Center For Human Genetics Tuebingen Variant Classification Criteria Version 2. Collection method: clinical testing. Allele origin: germline. Affected: yes. Observed: 1 variant allele.
Comment: NEFL: BP4, BP7